The following is an entry in ClinVar:

ClinVar aggregate classification (germline): Uncertain significance (1 of 4 stars; one submission).

gnomAD v4.1: 6 of 1,613,962 alleles (0.00037%); highest among the groups gnomAD compares: African/African-American, 0.004%; no homozygotes.

Submission:

Women's Health and Genetics/Laboratory Corporation of America, LabCorp
Classification: Uncertain significance. Last evaluated: 2024-12-02. Review status: criteria provided, single submitter. Criteria: LabCorp Variant Classification Summary - May 2015. Collection method: clinical testing. Allele origin: germline.
Comment: Variant summary: RNF170 c.97A>G (p.Ser33Gly) results in a non-conservative amino acid change in the encoded protein sequence. Three of five in-silico tools predict a benign effect of the variant on protein function. The variant was absent in 251468 control chromosomes. The available data on variant occurrences in the general population are insufficient to allow any conclusion about variant significance. To our knowledge, no occurrence of c.97A>G in individuals affected with Spastic Paraplegia 85, Autosomal Recessive and no experimental evidence demonstrating its impact on protein function have been reported. No submitters have cited clinical-significance assessments for this variant to ClinVar. Based on the evidence outlined above, the variant was classified as uncertain significance.

NM_030954.4(RNF170):c.97A>G (p.Ser33Gly)

Gene: RNF170 (ring finger protein 170; minus strand). Cytogenetic location: 8p11.21.
Variant type: single nucleotide variant.
Coding change: c.97A>G on transcript NM_030954.4 (MANE Select); coding-DNA position 97, A replaced by G.
Protein change: p.Ser33Gly; replaces serine 33 with glycine.
Molecular consequence: missense variant. On other transcripts: non-coding transcript variant (2), intron variant (1).
Genome position (GRCh38, 1-based): chr8:42,887,768, T>C on the plus strand (A>G on the coding strand, the complement: RNF170 is on the minus strand). VCF-style: chr8-42887768-T-C. GRCh37 (hg19) VCF-style: chr8-42742911-T-C.
Other names: c.97A>G, p.Ser33Gly (NM_001160223.2, NM_001160224.2); c.-116+81A>G (NM_001160225.2); short protein forms S33G.
Identifiers: ClinVar variation 3768375 (VCV003768375.1).